The following is an entry in ClinVar:

ClinVar aggregate classification (germline): Uncertain significance (1 of 4 stars; one submission).

Conditions:
Autosomal dominant nocturnal frontal lobe epilepsy 5. Also called: Epilepsy, nocturnal frontal lobe, 5; KCNT1-Related Epilepsy; CILIARY DYSKINESIA, PRIMARY, 28, WITHOUT SITUS INVERSUS; CILIARY DYSKINESIA, PRIMARY, 28, WITH SITUS INVERSUS. Identifiers: Orphanet 98784, MedGen C3554306, MONDO:0014002, OMIM 615005.
Developmental and epileptic encephalopathy, 14 (DEE14). Also called: Early infantile epileptic encephalopathy 14. Identifiers: Orphanet 293181, MedGen C3554195, MONDO:0013989, OMIM 614959.

gnomAD v4.1: 6 of 1,610,706 alleles (0.00037%); highest among the groups gnomAD compares: Non-Finnish European, 0.00051%; no homozygotes.

Submission:

Labcorp Genetics (formerly Invitae), Labcorp
Classification: Uncertain significance for Autosomal dominant nocturnal frontal lobe epilepsy 5; Developmental and epileptic encephalopathy, 14. Last evaluated: 2024-11-23. Review status: criteria provided, single submitter. Criteria: Invitae Variant Classification Sherloc (09022015). Collection method: clinical testing. Allele origin: germline.
Comment: This sequence change replaces lysine, which is basic and polar, with glutamic acid, which is acidic and polar, at codon 589 of the KCNT1 protein (p.Lys589Glu). This variant is not present in population databases (gnomAD no frequency). This variant has not been reported in the literature in individuals affected with KCNT1-related conditions. Invitae Evidence Modeling of protein sequence and biophysical properties (such as structural, functional, and spatial information, amino acid conservation, physicochemical variation, residue mobility, and thermodynamic stability) indicates that this missense variant is not expected to disrupt KCNT1 protein function with a negative predictive value of 80%. In summary, the available evidence is currently insufficient to determine the role of this variant in disease. Therefore, it has been classified as a Variant of Uncertain Significance.

NM_020822.3(KCNT1):c.1765A>G (p.Lys589Glu)

Gene: KCNT1 (potassium sodium-activated channel subfamily T member 1; plus strand). Cytogenetic location: 9q34.3.
Variant type: single nucleotide variant.
Coding change: c.1765A>G on transcript NM_020822.3 (MANE Select); coding-DNA position 1765, A replaced by G.
Protein change: p.Lys589Glu; replaces lysine 589 with glutamic acid.
Molecular consequence: missense variant.
Genome position (GRCh38, 1-based): chr9:135,770,443, A>G. VCF-style: chr9-135770443-A-G. GRCh37 (hg19) VCF-style: chr9-138662289-A-G.
Other names: c.1630A>G, p.Lys544Glu (NM_001272003.2); short protein forms K544E, K589E.
Identifiers: ClinVar variation 3764061 (VCV003764061.2).